The following is an entry in ClinVar:

NM_024529.5(CDC73):c.191T>C (p.Leu64Pro)

Gene: CDC73 (cell division cycle 73; plus strand). Cytogenetic location: 1q31.2.
Variant type: single nucleotide variant.
Coding change: c.191T>C on transcript NM_024529.5 (MANE Select); coding-DNA position 191, T replaced by C.
Protein change: p.Leu64Pro; replaces leucine 64 with proline.
Molecular consequence: missense variant.
Genome position (GRCh38, 1-based): chr1:193,125,171, T>C. VCF-style: chr1-193125171-T-C. GRCh37 (hg19) VCF-style: chr1-193094301-T-C.
Other names: short protein forms L64P.
Identifiers: ClinVar variation 3272 (VCV000003272.9), dbSNP rs121434264, ClinGen allele CA252651.
Genomic context (GRCh38, chr1:193,125,171, plus strand): 5'-GGACTGGAAAGGAAGGCCAACCCAGAGAGTACTACACATTGGATTCCATTTTATTTCTAC[T>C]TAATAACGTGCACCTTTCTCATCCTGTTTATGTCCGACGTGCAGCTGTAAGTAGAATTCA-3'
Protein context (NP_078805.3, residues 54-74): YYTLDSILFL[Leu64Pro]NNVHLSHPVY

ClinVar aggregate classification (germline): Likely pathogenic. Review status: criteria provided, single submitter (1 of 4 stars). 2 submissions from 2 submitters: Likely pathogenic (1). 1 of the submissions does not count toward it. Last evaluated 2021-04-04.

Conditions:
Hyperparathyroidism 1 (HRPT1). Also called: HYPERPARATHYROIDISM, FAMILIAL ISOLATED PRIMARY. Identifiers: Orphanet 99879, MedGen C1840402, MONDO:0007767, OMIM 145000.
Parathyroid carcinoma (PRTC). Also called: Parathyroid gland carcinoma; CDC73-Related Parathyroid Carcinoma. Identifiers: Orphanet 143, MedGen C0687150, MONDO:0012004, OMIM 608266, HP:0006780.

Submissions (2):

Labcorp Genetics (formerly Invitae), Labcorp
Classification: Likely pathogenic for Parathyroid carcinoma. Last evaluated: 2021-04-04. Review status: criteria provided, single submitter. Criteria: Invitae Variant Classification Sherloc (09022015). Collection method: clinical testing. Allele origin: germline.
Comment: This sequence change replaces leucine with proline at codon 64 of the CDC73 protein (p.Leu64Pro). The leucine residue is highly conserved and there is a moderate physicochemical difference between leucine and proline. This variant is not present in population databases (ExAC no frequency). This variant has been observed in individual(s) with clinical features of CDC73-related conditions (PMID: 12434154, 14985403, 19017757). It has also been observed to segregate with disease in related individuals. ClinVar contains an entry for this variant (Variation ID: 3272). Experimental studies have shown that this variant affects CDC73 protein function (PMID: 15580289, 15632063). In summary, the currently available evidence indicates that the variant is pathogenic, but additional data are needed to prove that conclusively. Therefore, this variant has been classified as Likely Pathogenic.

OMIM
Classification: Pathogenic for HYPERPARATHYROIDISM 1. Last evaluated: 2002-12-01. Review status: no assertion criteria provided. Collection method: literature only. Allele origin: germline. Not counted in ClinVar's aggregate classification.

Literature cited by the submitters: PubMed 12434154 (cited by Labcorp Genetics (formerly Invitae), Labcorp and OMIM); PubMed 14985403 (cited by Labcorp Genetics (formerly Invitae), Labcorp); PubMed 19017757 (cited by Labcorp Genetics (formerly Invitae), Labcorp); PubMed 15580289 (cited by Labcorp Genetics (formerly Invitae), Labcorp); PubMed 15632063 (cited by Labcorp Genetics (formerly Invitae), Labcorp).